The following is an entry in ClinVar:

ClinVar aggregate classification (germline): Likely pathogenic (1 of 4 stars; one submission).

Allele frequency attached by ClinVar (database versions not stated): ExAC 0.00001.
gnomAD v4.1: 7 of 1,613,726 alleles (0.00043%); highest among the groups gnomAD compares: East Asian, 0.016%; no homozygotes.

Submission:

Labcorp Genetics (formerly Invitae), Labcorp
Classification: Likely pathogenic. Last evaluated: 2023-07-29. Review status: criteria provided, single submitter. Criteria: Invitae Variant Classification Sherloc (09022015). Collection method: clinical testing. Allele origin: germline.
Comment: In summary, the currently available evidence indicates that the variant is pathogenic, but additional data are needed to prove that conclusively. Therefore, this variant has been classified as Likely Pathogenic. Algorithms developed to predict the effect of sequence changes on RNA splicing suggest that this variant may disrupt the consensus splice site. This variant has not been reported in the literature in individuals affected with ADCY10-related conditions. This variant is present in population databases (rs751771991, gnomAD 0.01%). This sequence change affects a donor splice site in intron 21 of the ADCY10 gene. It is expected to disrupt RNA splicing. Variants that disrupt the donor or acceptor splice site typically lead to a loss of protein function (PMID: 16199547), and loss-of-function variants in ADCY10 are known to be pathogenic (PMID: 31119281).

Literature cited by the submitters: PubMed 16199547; PubMed 31119281.

NM_018417.6(ADCY10):c.3007+2T>C

Gene: ADCY10 (adenylate cyclase 10; minus strand). Cytogenetic location: 1q24.2.
Variant type: single nucleotide variant.
Coding change: c.3007+2T>C on transcript NM_018417.6 (MANE Select); the canonical splice donor site of the intron after coding-DNA position 3007, T replaced by C.
Molecular consequence: splice donor variant.
Genome position (GRCh38, 1-based): chr1:167,845,561, A>G on the plus strand (T>C on the coding strand, the complement: ADCY10 is on the minus strand). VCF-style: chr1-167845561-A-G. GRCh37 (hg19) VCF-style: chr1-167814799-A-G.
Other names: c.2548+2T>C (NM_001167749.3); c.2731+2T>C (NM_001297772.2).
Identifiers: ClinVar variation 2898540 (VCV002898540.3), dbSNP rs751771991, ClinGen allele CA1227503.